The following is an entry in ClinVar:

ClinVar aggregate classification (germline): Conflicting classifications of pathogenicity. Review status: criteria provided, conflicting classifications (1 of 4 stars). 8 submissions from 8 submitters: Likely pathogenic (1); Uncertain significance (7). Last evaluated 2025-12-02.

Conditions:
Cardiovascular phenotype. Identifiers: MedGen CN230736.
Left ventricular noncompaction 10 (LVNC10). Identifiers: Orphanet 154, Orphanet 54260, MedGen C3715165, MONDO:0014163, OMIM 615396.
Cardiomyopathy (CMYO). Also called: Cardiomyopathies. Identifiers: Orphanet 167848, MedGen C0878544, MONDO:0004994, HP:0001638. Inheritance: Various modes of inheritance.
Hypertrophic cardiomyopathy. Also called: HYPERTROPHIC MYOCARDIOPATHY. Identifiers: Orphanet 217569, MedGen C0007194, MeSH D002312, MONDO:0005045, HP:0001639.

Allele frequency attached by ClinVar (database versions not stated): gnomAD exomes 0.00001; ExAC 0.00002; TOPMed 0.00002; gnomAD 0.00006; ESP Exome Variant Server 0.00008.
gnomAD v4.1: 18 of 1,613,930 alleles (0.0011%); highest among the groups gnomAD compares: East Asian, 0.0022%; no homozygotes.

Submissions (8):

Labcorp Genetics (formerly Invitae), Labcorp
Classification: Uncertain significance for Hypertrophic cardiomyopathy. Last evaluated: 2025-12-02. Review status: criteria provided, single submitter. Criteria: Invitae Variant Classification Sherloc (09022015). Collection method: clinical testing. Allele origin: germline.
Comment: This sequence change replaces valine, which is neutral and non-polar, with methionine, which is neutral and non-polar, at codon 840 of the MYBPC3 protein (p.Val840Met). This variant is present in population databases (rs376936056, gnomAD 0.004%). This missense change has been observed in individual(s) with hypertrophic cardiomyopathy (PMID: 25611685, 27532257, 37652022). ClinVar contains an entry for this variant (Variation ID: 42631). An algorithm developed to predict the effect of missense changes on protein structure and function (PolyPhen-2) suggests that this variant is likely to be disruptive. In summary, the available evidence is currently insufficient to determine the role of this variant in disease. Therefore, it has been classified as a Variant of Uncertain Significance.

Medical Genetics Clinic, University of Catania
Classification: Likely pathogenic for Left ventricular noncompaction 10. Last evaluated: 2025-11-05. Review status: criteria provided, single submitter. Criteria: ACMG Guidelines, 2015. Collection method: clinical testing. Allele origin: unknown. Inheritance: Autosomal dominant inheritance. Affected: yes. Observed: 1 variant allele, 1 heterozygote.
Comment: The c.2518G>A variant in the MYBPC3 gene is located in exon 25 of 35 and causes the substitution of a Valine with a Methionine at position 840 (p.Val840Met). In silico prediction tools suggest a possible pathogenic effect on the structure/activity of the protein (MutationTaster: disease causing). The variant frequency in gnomAD (Exome) is 0.0012%. In light of the above, the c.2518G>A variant in the MYBPC3 gene has been classified as a Likely Pathogenic variant.

All of Us Research Program, National Institutes of Health
Classification: Uncertain significance for Hypertrophic cardiomyopathy. Last evaluated: 2023-05-04. Review status: criteria provided, single submitter. Criteria: ACMG Guidelines, 2015. Collection method: clinical testing. Allele origin: germline. Inheritance: Autosomal dominant inheritance. Observed: 2 variant alleles, 2 heterozygotes.
Comment: This missense variant replaces valine with methionine at codon 840 of the MYBPC3 protein. Computational prediction suggests that this variant may not impact protein structure and function (internally defined REVEL score threshold <= 0.5, PMID: 27666373). Splice site prediction tools suggest that this variant may not impact RNA splicing. To our knowledge, functional studies have not been performed for this variant. This variant has been reported in an individual affected with hypertrophic cardiomyopathy (PMID: 27532257). This variant has also been identified in 5/280216 chromosomes in the general population by the Genome Aggregation Database (gnomAD). The available evidence is insufficient to determine the role of this variant in disease conclusively. Therefore, this variant is classified as a Variant of Uncertain Significance.

This study involves interpretation of variants in research participants for the purpose of population health screening. Participant phenotype was not available at the time of variant classification. Additional details can be found in publication PMID: 35346344, PMCID: PMC8962531

Color Diagnostics, LLC DBA Color Health
Classification: Uncertain significance for Cardiomyopathy. Last evaluated: 2023-03-23. Review status: criteria provided, single submitter. Criteria: ACMG Guidelines, 2015. Collection method: clinical testing. Allele origin: germline.
Comment: This missense variant replaces valine with methionine at codon 840 of the MYBPC3 protein. Computational prediction suggests that this variant may not impact protein structure and function (internally defined REVEL score threshold <= 0.5, PMID: 27666373). To our knowledge, functional studies have not been reported for this variant. This variant has been reported in an individual affected with hypertrophic cardiomyopathy (PMID: 25611685, 27532257). This variant has been identified in 5/280216 chromosomes in the general population by the Genome Aggregation Database (gnomAD). The available evidence is insufficient to determine the role of this variant in disease conclusively. Therefore, this variant is classified as a Variant of Uncertain Significance.

Ambry Genetics
Classification: Uncertain significance for Cardiovascular phenotype. Last evaluated: 2020-12-21. Review status: criteria provided, single submitter. Criteria: Ambry Variant Classification Scheme 2023. Collection method: clinical testing. Allele origin: germline.

Blueprint Genetics
Classification: Uncertain significance. Last evaluated: 2020-07-22. Review status: criteria provided, single submitter. Criteria: ACMG Guidelines, 2015. Collection method: clinical testing. Allele origin: germline.

GeneDx
Classification: Uncertain significance. Last evaluated: 2017-08-01. Review status: criteria provided, single submitter. Criteria: GeneDx Variant Classification (06012015). Collection method: clinical testing. Allele origin: germline. Affected: yes.
Comment: A variant of uncertain significance has been identified in the MYBPC3 gene. The V840M variant has not published in a patient with HCM (Walsh et al., 2017); however, additional clinical details and segregation information were not provided. The V840M variant is a conservative amino acid substitution, which is not likely to impact secondary protein structure as these residues share similar properties. Nevertheless, the V840M variant is not observed at a significant frequency in large population cohorts (Lek et al., 2016; 1000 Genomes Consortium et al., 2015; Exome Variant Server). Finally, this substitution occurs at a position that is conserved across species, and in silico analysis predicts this variant is probably damaging to the protein structure/function.

Laboratory for Molecular Medicine, Mass General Brigham Personalized Medicine
Classification: Uncertain significance. Last evaluated: 2010-05-26. Review status: criteria provided, single submitter. Criteria: LMM Criteria. Collection method: clinical testing. Allele origin: germline. Observed: 1 variant allele.
Comment: The Val840Met has not been reported in the literature, and it also has not been identified in >1000 caucasian probands tested by this laboratory. However, Alig nGVGD and PolyPhen predict the variant is benign, while SIFT predicts that the v ariant is not tolerated.

Literature cited by the submitters: PubMed 25611685 (cited by Labcorp Genetics (formerly Invitae), Labcorp and Color Diagnostics, LLC DBA Color Health); PubMed 27532257 (cited by 3 submitters); PubMed 37652022 (cited by Labcorp Genetics (formerly Invitae), Labcorp).

NM_000256.3(MYBPC3):c.2518G>A (p.Val840Met)

Gene: MYBPC3 (myosin binding protein C3; minus strand). Cytogenetic location: 11p11.2.
Variant type: single nucleotide variant.
Coding change: c.2518G>A on transcript NM_000256.3 (MANE Select); coding-DNA position 2518, G replaced by A.
Protein change: p.Val840Met; replaces valine 840 with methionine.
Molecular consequence: missense variant.
Genome position (GRCh38, 1-based): chr11:47,337,475, C>T on the plus strand (G>A on the coding strand, the complement: MYBPC3 is on the minus strand). VCF-style: chr11-47337475-C-T. GRCh37 (hg19) VCF-style: chr11-47359026-C-T.
Other names: short protein forms V840M.
Identifiers: ClinVar variation 42631 (VCV000042631.15), dbSNP rs376936056, ClinGen allele CA012456.
Genomic context (GRCh38, chr11:47,337,475, plus strand): 5'-CAGGGCTGGGCCTGGACATGCCGATGGCGTTGACCGCGTAGACGCGCATCTCGTACACCA[C>T]GCCCTCGATCATGCGCCGCGCTTCATGACTCAGCTCCTGAATCAGGTCGAAGTTCAGCCG-3'
Protein context (NP_000247.2, residues 830-850): SHEARRMIEG[Val840Met]VYEMRVYAVN